The following is an entry in ClinVar:

NM_001271.4(CHD2):c.4771_4772del (p.Leu1591fs)

Gene: CHD2 (chromodomain helicase DNA binding protein 2; plus strand). Cytogenetic location: 15q26.1.
Variant type: Microsatellite.
Coding change: c.4771_4772del on transcript NM_001271.4 (MANE Select); coding-DNA positions 4771 to 4772, 2 bases deleted (CT; older notation c.4771_4772delCT).
Protein change: p.Leu1591fs; shifts the reading frame from leucine 1591.
Molecular consequence: frameshift variant.
Genome position (GRCh38, 1-based): chr15:93,014,774-93,014,775, CT deleted; deleting any 2 consecutive bases within chr15:93,014,770-93,014,775 gives the same sequence; the c. name uses the placement nearest the transcript's 3' end. VCF-style (leftmost placement, unchanged base first): chr15-93014769-ACT-A. GRCh37 (hg19) VCF-style: chr15-93557999-ACT-A.
Other names: c.4771_4772del (NM_001271.3); short protein forms L1591fs.
Identifiers: ClinVar variation 521424 (VCV000521424.16), dbSNP rs1555445685, ClinGen allele CA658798442.

ClinVar aggregate classification (germline): Pathogenic. Review status: criteria provided, multiple submitters, no conflicts (2 of 4 stars). 4 submissions from 4 submitters: Pathogenic (4). Last evaluated 2022-12-19.

Conditions:
Inborn genetic diseases. Identifiers: MedGen C0950123, MeSH D030342.
CHD2-related disorder. Also called: CHD2-related condition.
Developmental and epileptic encephalopathy 94 (DEE94). Also called: Epileptic encephalopathy, childhood-onset; CHD2-Related Neurodevelopmental Disorders. Identifiers: Orphanet 1942, Orphanet 2382, MedGen C3809278, MONDO:0014150, OMIM 615369.

Submissions (4):

PreventionGenetics, part of Exact Sciences
Classification: Pathogenic for CHD2-related condition. Last evaluated: 2022-12-19. Review status: criteria provided, single submitter. Criteria: ACMG Guidelines, 2015. Collection method: clinical testing. Allele origin: germline.
Comment: The CHD2 c.4771_4772delCT variant is predicted to result in a frameshift and premature protein termination (p.Leu1591Aspfs*32). This variant was reported to have occurred de novo in two individuals with developmental and epileptic encephalopathy (described as c.4767_4768delCT p.(Leu1591Aspfs), Strauss et al. 2018. PubMed ID: 28726809; De Maria et al. 2021. PubMed ID: 34713950). This variant has not been reported in a large population database, indicating this variant is rare. Frameshift variants in CHD2 are expected to be pathogenic. This variant is interpreted as pathogenic.

Blueprint Genetics
Classification: Pathogenic for CHD2-related disorders. Last evaluated: 2021-03-23. Review status: criteria provided, single submitter. Criteria: ACMG Guidelines, 2015. Collection method: clinical testing. Allele origin: germline. Affected: yes. Observed: 1 variant allele.

Labcorp Genetics (formerly Invitae), Labcorp
Classification: Pathogenic for Developmental and epileptic encephalopathy 94. Last evaluated: 2019-10-30. Review status: criteria provided, single submitter. Criteria: Invitae Variant Classification Sherloc (09022015). Collection method: clinical testing. Allele origin: germline.
Comment: Loss-of-function variants in CHD2 are known to be pathogenic (PMID: 23708187, 24207121). For these reasons, this variant has been classified as Pathogenic. This sequence change creates a premature translational stop signal (p.Leu1591Aspfs*32) in the CHD2 gene. It is expected to result in an absent or disrupted protein product. This variant is not present in population databases (ExAC no frequency). This variant has been observed in individual(s) with epileptic encephalopathy (PMID: 28726809). In at least one individual the variant was observed to be de novo. ClinVar contains an entry for this variant (Variation ID: 521424).

Ambry Genetics
Classification: Pathogenic for Inborn genetic diseases. Last evaluated: 2016-11-29. Review status: criteria provided, single submitter. Criteria: Ambry exome assertion method (8-5-2015). Collection method: clinical testing. Allele origin: germline. Affected: yes. Observed: 1 variant allele.

Literature cited by the submitters: PubMed 23708187 (cited by Labcorp Genetics (formerly Invitae), Labcorp); PubMed 24207121 (cited by Labcorp Genetics (formerly Invitae), Labcorp); PubMed 28726809 (cited by Labcorp Genetics (formerly Invitae), Labcorp).